The following is an entry in ClinVar:

ClinVar aggregate classification (germline): Benign. Review status: criteria provided, multiple submitters, no conflicts (2 of 4 stars). 7 submissions from 7 submitters: Benign (7). Last evaluated 2026-01-31.

Conditions:
Imerslund-Grasbeck syndrome. Also called: ENTEROCYTE COBALAMIN MALABSORPTION; ENTEROCYTE INTRINSIC FACTOR RECEPTOR, DEFECT OF; Imerslund-Gräsbeck syndrome; PERNICIOUS ANEMIA, JUVENILE, DUE TO SELECTIVE INTESTINAL MALABSORPTION OF VITAMIN B12, WITH PROTEINURIA; Megaloblastic anemia due to inborn errors of metabolism. Identifiers: Orphanet 35858, MedGen C4551825, MONDO:0009853.
Imerslund-Grasbeck syndrome type 1 (IGS1). Also called: Megaloblastic anemia 1, Finnish type; MEGALOBLASTIC ANEMIA, 1; Imerslund-Gräsbeck syndrome 1. Identifiers: MedGen C4016819, MONDO:0100156, OMIM 261100.

Allele frequency attached by ClinVar (database versions not stated): ESP Exome Variant Server 0.03022; 1000 Genomes Project 30x 0.05996; 1000 Genomes Project 0.06430; TOPMed 0.02874.
gnomAD v4.1: 68,950 of 1,612,820 alleles (4.3%); highest among the groups gnomAD compares: South Asian, 19%; 2,835 homozygotes.

Submissions (7):

Labcorp Genetics (formerly Invitae), Labcorp
Classification: Benign for Imerslund-Grasbeck syndrome. Last evaluated: 2026-01-31. Review status: criteria provided, single submitter. Criteria: Invitae Variant Classification Sherloc (09022015). Collection method: clinical testing. Allele origin: germline.

Blueprint Genetics
Classification: Benign. Last evaluated: 2024-11-27. Review status: criteria provided, single submitter. Criteria: ACMG Guidelines, 2015. Collection method: clinical testing. Allele origin: germline.

Mayo Clinic Laboratories, Mayo Clinic
Classification: Benign. Last evaluated: 2023-04-03. Review status: criteria provided, single submitter. Criteria: ACMG Guidelines, 2015. Collection method: clinical testing. Allele origin: germline. Observed: 14 variant alleles.

Genome-Nilou Lab
Classification: Benign for Imerslund-Grasbeck syndrome type 1. Last evaluated: 2021-07-30. Review status: criteria provided, single submitter. Criteria: ACMG Guidelines, 2015. Collection method: clinical testing. Allele origin: germline. Affected: no.

GeneDx
Classification: Benign. Last evaluated: 2018-10-31. Review status: criteria provided, single submitter. Criteria: GeneDx Variant Classification Process June 2021. Collection method: clinical testing. Allele origin: germline. Affected: yes.

Illumina Laboratory Services, Illumina
Classification: Benign for Imerslund-Grasbeck syndrome type 1. Last evaluated: 2018-01-13. Review status: criteria provided, single submitter. Criteria: ICSL Variant Classification Criteria 13 December 2019. Collection method: clinical testing. Allele origin: germline.
Comment: This variant was observed in the ICSL laboratory as part of a predisposition screen in an ostensibly healthy population. It had not been previously curated by ICSL or reported in the Human Gene Mutation Database (HGMD: prior to June 1st, 2018), and was therefore a candidate for classification through an automated scoring system. Utilizing variant allele frequency, disease prevalence and penetrance estimates, and inheritance mode, an automated score was calculated to assess if this variant is too frequent to cause the disease. Based on the score and internal cut-off values, a variant classified as benign is not then subjected to further curation. The score for this variant resulted in a classification of benign for this disease.

Breakthrough Genomics
Classification: Benign. Review status: criteria provided, single submitter. Criteria: ACMG Guidelines, 2015. Collection method: not provided. Allele origin: germline. Inheritance: Autosomal recessive inheritance. Affected: yes.

NM_001081.4(CUBN):c.1911C>T (p.Leu637=)

Gene: CUBN (cubilin; minus strand). Cytogenetic location: 10p13.
Variant type: single nucleotide variant.
Coding change: c.1911C>T on transcript NM_001081.4 (MANE Select); coding-DNA position 1911, C replaced by T.
Protein change: p.Leu637=; no amino-acid change (leucine 637 retained).
Molecular consequence: synonymous variant.
Genome position (GRCh38, 1-based): chr10:17,088,200, G>A on the plus strand (C>T on the coding strand, the complement: CUBN is on the minus strand). VCF-style: chr10-17088200-G-A. GRCh37 (hg19) VCF-style: chr10-17130199-G-A.
Other names: p.Leu637=.
Identifiers: ClinVar variation 299519 (VCV000299519.20), dbSNP rs41289311, ClinGen allele CA5425166.